The following is an entry in ClinVar:

ClinVar aggregate classification (germline): Uncertain significance (1 of 4 stars; one submission).

Conditions:
Epilepsy, childhood absence, susceptibility to, 1. Also called: Epilepsy, childhood absence 1. Identifiers: Orphanet 64280, MedGen C1838604, MONDO:0020759, OMIM 600131.
Epilepsy, childhood absence, susceptibility to, 5. Identifiers: Orphanet 64280, MedGen C2677087, MONDO:0012843, OMIM 612269.

Submission:

Labcorp Genetics (formerly Invitae), Labcorp
Classification: Uncertain significance for Epilepsy, childhood absence, susceptibility to, 5; Epilepsy, childhood absence, susceptibility to, 1. Last evaluated: 2024-10-31. Review status: criteria provided, single submitter. Criteria: Invitae Variant Classification Sherloc (09022015). Collection method: clinical testing. Allele origin: germline.
Comment: This sequence change replaces asparagine, which is neutral and polar, with lysine, which is basic and polar, at codon 138 of the GABRB3 protein (p.Asn138Lys). This variant is not present in population databases (gnomAD no frequency). This variant has not been reported in the literature in individuals affected with GABRB3-related conditions. Invitae Evidence Modeling of protein sequence and biophysical properties (such as structural, functional, and spatial information, amino acid conservation, physicochemical variation, residue mobility, and thermodynamic stability) has been performed for this missense variant. However, the output from this modeling did not meet the statistical confidence thresholds required to predict the impact of this variant on GABRB3 protein function. In summary, the available evidence is currently insufficient to determine the role of this variant in disease. Therefore, it has been classified as a Variant of Uncertain Significance.

NM_000814.6(GABRB3):c.414C>A (p.Asn138Lys)

Gene: GABRB3 (gamma-aminobutyric acid type A receptor subunit beta3; minus strand). Cytogenetic location: 15q12.
Variant type: single nucleotide variant.
Coding change: c.414C>A on transcript NM_000814.6 (MANE Select); coding-DNA position 414, C replaced by A.
Protein change: p.Asn138Lys; replaces asparagine 138 with lysine.
Molecular consequence: missense variant. On other transcripts: non-coding transcript variant (1).
Genome position (GRCh38, 1-based): chr15:26,621,361, G>T on the plus strand (C>A on the coding strand, the complement: GABRB3 is on the minus strand). VCF-style: chr15-26621361-G-T. GRCh37 (hg19) VCF-style: chr15-26866508-G-T.
Other names: c.159C>A, p.Asn53Lys (NM_001191320.2, NM_001278631.2); c.414C>A, p.Asn138Lys (NM_021912.5); c.201C>A, p.Asn67Lys (NM_001191321.3); short protein forms N138K, N53K, N67K.
Identifiers: ClinVar variation 3754027 (VCV003754027.2).